The following is an entry in ClinVar:

ClinVar aggregate classification (germline): Likely pathogenic (1 of 4 stars; one submission).

Conditions:
Dilated cardiomyopathy 1G (CMD1G). Identifiers: Orphanet 154, MedGen C1858763, MONDO:0011400, OMIM 604145.
Autosomal recessive limb-girdle muscular dystrophy type 2J (LGMDR10). Also called: Limb-girdle muscular dystrophy, type 2J; MUSCULAR DYSTROPHY, LIMB-GIRDLE, AUTOSOMAL RECESSIVE 10. Identifiers: Orphanet 140922, MedGen C1837342, MONDO:0012127, OMIM 608807.

Submission:

Labcorp Genetics (formerly Invitae), Labcorp
Classification: Likely pathogenic for Dilated cardiomyopathy 1G; Autosomal recessive limb-girdle muscular dystrophy type 2J. Last evaluated: 2024-10-18. Review status: criteria provided, single submitter. Criteria: Invitae Variant Classification Sherloc (09022015). Collection method: clinical testing. Allele origin: germline.
Comment: This sequence change creates a premature translational stop signal (p.Tyr2999*) in the TTN gene. While this is not anticipated to result in nonsense mediated decay, it is expected to create a truncated TTN protein. This variant is not present in population databases (gnomAD no frequency). This variant has not been observed in the literature in individuals with autosomal recessive TTN-related conditions. This variant has been reported in individual(s) with dilated cardiomyopathy (internal data); however, the role of the variant in this condition is currently unclear. This variant is located in the I band of TTN (PMID: 25589632). Truncating variants in this region have been reported in individuals affected with autosomal recessive centronuclear myopathy (PMID: 23975875, internal data). Truncating variants in this region have also been identified in individuals affected with autosomal dominant dilated cardiomyopathy and/or cardio-related conditions (PMID: 27869827, 32964742, internal data). In summary, the currently available evidence indicates that the variant is pathogenic, but additional data are needed to prove that conclusively. Therefore, this variant has been classified as Likely Pathogenic.

Literature cited by the submitters: PubMed 25589632; PubMed 23975875; PubMed 27869827; PubMed 32964742.

NM_001267550.2(TTN):c.8997del (p.Ser2998_Tyr2999insTer)

Gene: TTN (titin; minus strand). Cytogenetic location: 2q31.2.
Variant type: Deletion.
Coding change: c.8997del on transcript NM_001267550.2 (MANE Select); coding-DNA position 8997, one base deleted (C; older notation c.8997delC).
Protein change: p.Ser2998_Tyr2999insTer.
Molecular consequence: nonsense.
Genome position (GRCh38, 1-based): chr2:178,768,839, G deleted on the plus strand (C on the coding strand, the reverse complement: TTN is on the minus strand). VCF-style (leftmost placement, unchanged base first): chr2-178768838-TG-T. GRCh37 (hg19) VCF-style: chr2-179633565-TG-T.
Other names: c.8997del, p.Ser2998_Tyr2999insTer (NM_001256850.1, NM_133378.4, NM_133379.5); c.8859del, p.Ser2952_Tyr2953insTer (NM_003319.4, NM_133432.3, NM_133437.4).
Identifiers: ClinVar variation 2947152 (VCV002947152.3), dbSNP rs2532402379, ClinGen allele CA2740096295.